The following is an entry in ClinVar:

NM_020987.5(ANK3):c.6320C>G (p.Thr2107Ser)

Gene: ANK3 (ankyrin 3; minus strand). Cytogenetic location: 10q21.2.
Variant type: single nucleotide variant.
Coding change: c.6320C>G on transcript NM_020987.5 (MANE Select); coding-DNA position 6320, C replaced by G.
Protein change: p.Thr2107Ser; replaces threonine 2107 with serine.
Molecular consequence: missense variant. On other transcripts: intron variant (4).
Genome position (GRCh38, 1-based): chr10:60,074,561, G>C on the plus strand (C>G on the coding strand, the complement: ANK3 is on the minus strand). VCF-style: chr10-60074561-G-C. GRCh37 (hg19) VCF-style: chr10-61834319-G-C.
Other names: c.4387+5976C>G (NM_001204403.2); c.4408+5976C>G (NM_001204404.2); c.4405+5976C>G (NM_001320874.2); c.1807+5976C>G (NM_001149.4); short protein forms T2107S.
Identifiers: ClinVar variation 385653 (VCV000385653.2), dbSNP rs749819494, ClinGen allele CA16606022.

ClinVar aggregate classification (germline): Uncertain significance (1 of 4 stars; one submission).

Allele frequency attached by ClinVar (database versions not stated): TOPMed 0.00001; gnomAD 0.00001.
gnomAD v4.1: 12 of 1,613,930 alleles (0.00074%); highest among the groups gnomAD compares: Non-Finnish European, 0.001%; no homozygotes.

Submission:

GeneDx
Classification: Uncertain significance. Last evaluated: 2016-04-15. Review status: criteria provided, single submitter. Criteria: GeneDx Variant Classification (06012015). Collection method: clinical testing. Allele origin: germline. Affected: yes.
Comment: The T2107S variant in the ANK3 gene has not been reported previously as a pathogenic variant, nor as a benign variant, to our knowledge. This variant was not observed in approximately 6500 individuals of European and African American ancestry in the NHLBI Exome Sequencing Project, indicating it is not a common benign variant in these populations. The T2107S variant is a conservative amino acid substitution, which is not likely to impact secondary protein structure as these residues share similar properties. This substitution occurs at a position that is not conserved. In silico analysis is inconsistent in its predictions as to whether or not the variant is damaging to the protein structure/function. We interpret T2107S as a variant of uncertain significance.